The following is an entry in ClinVar:

NM_016373.4(WWOX):c.358C>T (p.Arg120Trp)

Gene: WWOX (WW domain containing oxidoreductase; plus strand). Cytogenetic location: 16q23.1.
Variant type: single nucleotide variant.
Coding change: c.358C>T on transcript NM_016373.4 (MANE Select); coding-DNA position 358, C replaced by T.
Protein change: p.Arg120Trp; replaces arginine 120 with tryptophan.
Molecular consequence: missense variant. On other transcripts: non-coding transcript variant (1).
Genome position (GRCh38, 1-based): chr16:78,115,103, C>T. VCF-style: chr16-78115103-C-T. GRCh37 (hg19) VCF-style: chr16-78149000-C-T.
Other names: c.19C>T, p.Arg7Trp (NM_001291997.2); c.358C>T, p.Arg120Trp (NM_130791.5); short protein forms R120W, R7W.
Identifiers: ClinVar variation 218734 (VCV000218734.57), dbSNP rs141361080, ClinGen allele CA249245.
Genomic context (GRCh38, chr16:78,115,103, plus strand): 5'-AAGCCAACCACCCGGCAAAGATACGACGGCAGCACCACTGCCATGGAAATTCTCCAGGGC[C>T]GGGATTTCACTGGCAAAGTGGTTGTGGTCACTGGAGCTAATTCAGGAATAGGTAGGCTCT-3'
Protein context (NP_057457.1, residues 110-130): STTAMEILQG[Arg120Trp]DFTGKVVVVT

ClinVar aggregate classification (germline): Benign/Likely benign. Review status: criteria provided, multiple submitters, no conflicts (2 of 4 stars). 13 submissions from 12 submitters: Benign (9); Likely benign (3). 1 of the submissions does not count toward it. Last evaluated 2026-09-01.

Conditions:
WWOX-related disorder. Also called: WWOX-related condition.
Developmental and epileptic encephalopathy, 28 (DEE28). Also called: Epileptic encephalopathy, early infantile, 28. Identifiers: Orphanet 442835, MedGen C4015519, MONDO:0014533, OMIM 616211.
Autosomal recessive spinocerebellar ataxia 12. Also called: SPINOCEREBELLAR ATAXIA WITH MENTAL RETARDATION AND EPILEPSY. Identifiers: Orphanet 284282, MedGen C3280452, MONDO:0013687, OMIM 614322.
Developmental and epileptic encephalopathy, 1 (DEE1). Also called: Epileptic encephalopathy, early infantile, 1; OHTAHARA SYNDROME, X-LINKED; X-linked infantile spasms; West's syndrome; Tonic spasms with clustering, arrest of psychomotor development and hypsarrhythmia on EEG; X-Linked Infantile Spasm Syndrome. Identifiers: MedGen C3463992, MONDO:0010632, OMIM 308350. Disease mechanism: loss of function.

Allele frequency attached by ClinVar (database versions not stated): TOPMed 0.00461; gnomAD 0.00523 and 0.00579; ESP Exome Variant Server 0.00572; 1000 Genomes Project 0.00579; 1000 Genomes Project 30x 0.00609; gnomAD exomes 0.00749; ExAC 0.00757.
gnomAD v4.1: 11,991 of 1,614,110 alleles (0.74%); highest among the groups gnomAD compares: South Asian, 1.7%; 71 homozygotes.

Submissions (13):

CeGaT Center for Human Genetics Tuebingen
Classification: Benign. Last evaluated: 2026-09-01. Review status: criteria provided, single submitter. Criteria: CeGaT Center For Human Genetics Tuebingen Variant Classification Criteria Version 2. Collection method: clinical testing. Allele origin: germline. Affected: yes. Observed: 52 variant alleles.
Comment: WWOX: BS1, BS2

Labcorp Genetics (formerly Invitae), Labcorp
Classification: Benign for Developmental and epileptic encephalopathy, 1; Autosomal recessive spinocerebellar ataxia 12. Last evaluated: 2026-02-03. Review status: criteria provided, single submitter. Criteria: Invitae Variant Classification Sherloc (09022015). Collection method: clinical testing. Allele origin: germline.

Blueprint Genetics
Classification: Likely benign. Last evaluated: 2024-11-27. Review status: criteria provided, single submitter. Criteria: ACMG Guidelines, 2015. Collection method: clinical testing. Allele origin: germline.

Genome-Nilou Lab
Classification: Benign for Developmental and epileptic encephalopathy, 28. Last evaluated: 2021-12-05. Review status: criteria provided, single submitter. Criteria: ACMG Guidelines, 2015. Collection method: clinical testing. Allele origin: germline. Affected: no.

Genome-Nilou Lab
Classification: Benign for Autosomal recessive spinocerebellar ataxia 12. Last evaluated: 2021-12-05. Review status: criteria provided, single submitter. Criteria: ACMG Guidelines, 2015. Collection method: clinical testing. Allele origin: germline. Affected: no.

Mayo Clinic Laboratories, Mayo Clinic
Classification: Benign. Last evaluated: 2018-12-06. Review status: criteria provided, single submitter. Criteria: ACMG Guidelines, 2015. Collection method: clinical testing. Allele origin: germline. Observed: 8 variant alleles.

Athena Diagnostics
Classification: Benign. Last evaluated: 2018-10-02. Review status: criteria provided, single submitter. Criteria: Athena Diagnostics Criteria. Collection method: clinical testing. Allele origin: germline.

GeneDx
Classification: Benign. Last evaluated: 2018-05-21. Review status: criteria provided, single submitter. Criteria: GeneDx Variant Classification Process June 2021. Collection method: clinical testing. Allele origin: germline. Affected: yes.
Comment: This variant is associated with the following publications: (PMID: 30949922, 27884173, 21983861, 25612104, 11572989, 20480411, 24082139)

Genetic Services Laboratory, University of Chicago
Classification: Benign. Last evaluated: 2017-05-08. Review status: criteria provided, single submitter. Criteria: ACMG Guidelines, 2015. Collection method: clinical testing. Allele origin: germline. Affected: no.

Center for Pediatric Genomic Medicine, Children's Mercy Hospital and Clinics
Classification: Likely benign. Last evaluated: 2016-07-11. Review status: criteria provided, single submitter. Criteria: ACMG Guidelines, 2015. Collection method: clinical testing. Allele origin: germline.
ClinVar note: Converted during submission from Likely Benign to Likely benign.

Genomic Diagnostic Laboratory, Division of Genomic Diagnostics, Children's Hospital of Philadelphia
Classification: Benign. Last evaluated: 2015-11-26. Review status: criteria provided, single submitter. Criteria: DGD Variant Analysis Guidelines. Collection method: clinical testing. Allele origin: unknown.

Breakthrough Genomics
Classification: Likely benign. Review status: criteria provided, single submitter. Criteria: ACMG Guidelines, 2015. Collection method: not provided. Allele origin: germline. Inheritance: Autosomal recessive inheritance. Affected: yes.

PreventionGenetics, part of Exact Sciences
Classification: Benign for WWOX-related condition. Last evaluated: 2024-04-19. Review status: no assertion criteria provided. Collection method: clinical testing. Allele origin: germline. Not counted in ClinVar's aggregate classification.
Comment: This variant is classified as benign based on ACMG/AMP sequence variant interpretation guidelines (Richards et al. 2015 PMID: 25741868, with internal and published modifications).

Literature cited by the submitters: PubMed 29675105 (cited by Athena Diagnostics); PubMed 29905011 (cited by Athena Diagnostics); PubMed 21983861 (cited by Athena Diagnostics); PubMed 25612104 (cited by Athena Diagnostics); PubMed 11572989 (cited by Athena Diagnostics); PubMed 27884173 (cited by Athena Diagnostics); PubMed 20480411 (cited by Athena Diagnostics); PubMed 24082139 (cited by Athena Diagnostics).